The following is an entry in ClinVar:

ClinVar aggregate classification (germline): Uncertain significance. Review status: criteria provided, single submitter (1 of 4 stars). 2 submissions from 2 submitters: Uncertain significance (1). 1 of the submissions does not count toward it. Last evaluated 2021-09-27.

Conditions:
NCOA1-related disorder. Also called: NCOA1-related condition.

Allele frequency attached by ClinVar (database versions not stated): gnomAD exomes below 0.00001; ExAC 0.00001; gnomAD 0.00004; ESP Exome Variant Server 0.00008; TOPMed 0.00010.
gnomAD v4.1: 11 of 1,614,090 alleles (0.00068%); highest among the groups gnomAD compares: Admixed American, 0.0083%; no homozygotes.

Submissions (2):

Ambry Genetics
Classification: Uncertain significance. Last evaluated: 2021-09-27. Review status: criteria provided, single submitter. Criteria: Ambry Variant Classification Scheme 2023. Collection method: clinical testing. Allele origin: germline.

PreventionGenetics, part of Exact Sciences
Classification: Uncertain significance for NCOA1-related condition. Last evaluated: 2024-02-15. Review status: no assertion criteria provided. Collection method: clinical testing. Allele origin: germline. Not counted in ClinVar's aggregate classification.
Comment: The NCOA1 c.3806A>G variant is predicted to result in the amino acid substitution p.Gln1269Arg. To our knowledge, this variant has not been reported in the literature. This variant is reported in 0.0062% of alleles in individuals of African descent in gnomAD. At this time, the clinical significance of this variant is uncertain due to the absence of conclusive functional and genetic evidence.

NM_003743.5(NCOA1):c.3806A>G (p.Gln1269Arg)

Gene: NCOA1 (nuclear receptor coactivator 1; plus strand). Cytogenetic location: 2p23.3.
Variant type: single nucleotide variant.
Coding change: c.3806A>G on transcript NM_003743.5 (MANE Select); coding-DNA position 3806, A replaced by G.
Protein change: p.Gln1269Arg; replaces glutamine 1269 with arginine.
Molecular consequence: missense variant.
Genome position (GRCh38, 1-based): chr2:24,752,081, A>G. VCF-style: chr2-24752081-A-G. GRCh37 (hg19) VCF-style: chr2-24974950-A-G.
Other names: c.3806A>G, p.Gln1269Arg (NM_001362950.1, NM_001362952.1, NM_001362954.1 and 3 more transcripts); short protein forms Q1269R.
Identifiers: ClinVar variation 2252315 (VCV002252315.3), dbSNP rs372628856, ClinGen allele CA1552717.